The following is an entry in ClinVar:

ClinVar aggregate classification (germline): Pathogenic (1 of 4 stars; one submission).

Conditions:
Atrioventricular septal defect 4 (AVSD4). Identifiers: MedGen C3280781, MONDO:0013747, OMIM 614430.

Submission:

Labcorp Genetics (formerly Invitae), Labcorp
Classification: Pathogenic for Atrioventricular septal defect 4. Last evaluated: 2025-09-10. Review status: criteria provided, single submitter. Criteria: Invitae Variant Classification Sherloc (09022015). Collection method: clinical testing. Allele origin: germline.
Comment: This sequence change replaces arginine, which is basic and polar, with histidine, which is basic and polar, at codon 284 of the GATA4 protein (p.Arg284His). This variant is not present in population databases (gnomAD no frequency). This missense change has been observed in individual(s) with atrial septal defect (PMID: 26014430, 30455927). It has also been observed to segregate with disease in related individuals. ClinVar contains an entry for this variant (Variation ID: 1458733). Invitae Evidence Modeling of protein sequence and biophysical properties (such as structural, functional, and spatial information, amino acid conservation, physicochemical variation, residue mobility, and thermodynamic stability) indicates that this missense variant is expected to disrupt GATA4 protein function with a positive predictive value of 95%. For these reasons, this variant has been classified as Pathogenic.

Literature cited by the submitters: PubMed 26014430; PubMed 30455927.

NM_001308093.3(GATA4):c.854G>A (p.Arg285His)

Gene: GATA4 (GATA binding protein 4). Cytogenetic location: 8p23.1.
Variant type: single nucleotide variant.
Coding change: c.854G>A on transcript NM_001308093.3 (MANE Select); coding-DNA position 854, G replaced by A.
Protein change: p.Arg285His; replaces arginine 285 with histidine.
Molecular consequence: missense variant. On other transcripts: intron variant (1).
Genome position (GRCh38, 1-based): chr8:11,750,178, G>A. VCF-style: chr8-11750178-G-A. GRCh37 (hg19) VCF-style: chr8-11607687-G-A.
Other names: c.233G>A, p.Arg78His (NM_001308094.2, NM_001374273.1); c.851G>A, p.Arg284His (NM_002052.5); c.165+1093G>A (NM_001374274.1); short protein forms R285H, R78H, R284H.
Identifiers: ClinVar variation 1458733 (VCV001458733.6), dbSNP rs2130313276, ClinGen allele CA370313035.